The following is an entry in ClinVar:

ClinVar aggregate classification (germline): Benign/Likely benign. Review status: criteria provided, multiple submitters, no conflicts (2 of 4 stars). 12 submissions from 12 submitters: Benign (7); Likely benign (1). 4 of the submissions do not count toward it. Last evaluated 2026-02-03.

Conditions:
Myofibrillar myopathy 5. Also called: Filaminopathy (type); FILAMINOPATHY, AUTOSOMAL DOMINANT. Identifiers: Orphanet 171445, MedGen C1836050, MONDO:0012289, OMIM 609524.
Distal myopathy with posterior leg and anterior hand involvement. Also called: WILLIAMS DISTAL MYOPATHY. Identifiers: Orphanet 63273, MedGen C3279722, MONDO:0013550, OMIM 614065.
Hypertrophic cardiomyopathy 26. Also called: Cardiomyopathy, familial hypertrophic, 26. Identifiers: Orphanet 75249, MedGen C4310749, MONDO:0014883, OMIM 617047.

Allele frequency attached by ClinVar (database versions not stated): 1000 Genomes Project 0.00140; 1000 Genomes Project 30x 0.00156; ESP Exome Variant Server 0.00389; gnomAD 0.00393 and 0.00403; ExAC 0.00408; TOPMed 0.00433.
gnomAD v4.1: 9,708 of 1,613,320 alleles (0.6%); highest among the groups gnomAD compares: Middle Eastern, 1.7%; 46 homozygotes.

Submissions (12):

Labcorp Genetics (formerly Invitae), Labcorp
Classification: Benign for Distal myopathy with posterior leg and anterior hand involvement; Myofibrillar myopathy 5; Hypertrophic cardiomyopathy 26. Last evaluated: 2026-02-03. Review status: criteria provided, single submitter. Criteria: Invitae Variant Classification Sherloc (09022015). Collection method: clinical testing. Allele origin: germline.

Blueprint Genetics
Classification: Likely benign. Last evaluated: 2024-11-27. Review status: criteria provided, single submitter. Criteria: ACMG Guidelines, 2015. Collection method: clinical testing. Allele origin: germline.

ARUP Laboratories, Molecular Genetics and Genomics, ARUP Laboratories
Classification: Benign. Last evaluated: 2024-10-11. Review status: criteria provided, single submitter. Criteria: ARUP Molecular Germline Variant Investigation Process 2024. Collection method: clinical testing. Allele origin: germline.

Women's Health and Genetics/Laboratory Corporation of America, LabCorp
Classification: Benign. Last evaluated: 2023-08-19. Review status: criteria provided, single submitter. Criteria: LabCorp Variant Classification Summary - May 2015. Collection method: clinical testing. Allele origin: germline.

Center for Pediatric Genomic Medicine, Children's Mercy Hospital and Clinics
Classification: Benign. Last evaluated: 2017-05-30. Review status: criteria provided, single submitter. Criteria: ACMG Guidelines, 2015. Collection method: clinical testing. Allele origin: germline.

GeneDx
Classification: Benign. Last evaluated: 2016-03-11. Review status: criteria provided, single submitter. Criteria: GeneDx Variant Classification (06012015). Collection method: clinical testing. Allele origin: germline. Affected: yes.
Comment: This variant is considered likely benign or benign based on one or more of the following criteria: it is a conservative change, it occurs at a poorly conserved position in the protein, it is predicted to be benign by multiple in silico algorithms, and/or has population frequency not consistent with disease.

Breakthrough Genomics
Classification: Benign. Review status: criteria provided, single submitter. Criteria: ACMG Guidelines, 2015. Collection method: not provided. Allele origin: germline. Inheritance: Autosomal dominant inheritance. Affected: yes.

PreventionGenetics, part of Exact Sciences
Classification: Benign. Review status: criteria provided, single submitter. Criteria: ACMG Guidelines, 2015. Collection method: clinical testing. Allele origin: germline.

Clinical Genetics, Academic Medical Center
Classification: Benign. Review status: no assertion criteria provided. Collection method: clinical testing. Allele origin: germline. Affected: yes. Study: VKGL Data-share Consensus. Not counted in ClinVar's aggregate classification.

Genome Diagnostics Laboratory, University Medical Center Utrecht
Classification: Benign. Review status: no assertion criteria provided. Collection method: clinical testing. Allele origin: germline. Affected: yes. Study: VKGL Data-share Consensus. Not counted in ClinVar's aggregate classification.

Joint Genome Diagnostic Labs from Nijmegen and Maastricht, Radboudumc and MUMC+
Classification: Benign. Review status: no assertion criteria provided. Collection method: clinical testing. Allele origin: germline. Affected: yes. Study: VKGL Data-share Consensus. Not counted in ClinVar's aggregate classification.

Laboratory of Diagnostic Genome Analysis, Leiden University Medical Center (LUMC)
Classification: Likely benign. Review status: no assertion criteria provided. Collection method: clinical testing. Allele origin: germline. Affected: yes. Study: VKGL Data-share Consensus. Not counted in ClinVar's aggregate classification.

NM_001458.5(FLNC):c.1549+15C>A

Gene: FLNC (filamin C; plus strand). Cytogenetic location: 7q32.1.
Variant type: single nucleotide variant.
Coding change: c.1549+15C>A on transcript NM_001458.5 (MANE Select); 15 bases into the intron after coding-DNA position 1549, C replaced by A.
Molecular consequence: intron variant.
Genome position (GRCh38, 1-based): chr7:128,840,175, C>A. VCF-style: chr7-128840175-C-A. GRCh37 (hg19) VCF-style: chr7-128480229-C-A.
Other names: c.1549+15C>A (NM_001127487.2).
Identifiers: ClinVar variation 258126 (VCV000258126.20), dbSNP rs181134489, ClinGen allele CA4474378.